The following is an entry in ClinVar:

NM_032776.3(JMJD1C):c.966A>G (p.Pro322=)

Gene: JMJD1C (jumonji domain containing 1C; minus strand). Cytogenetic location: 10q21.3.
Variant type: single nucleotide variant.
Coding change: c.966A>G on transcript NM_032776.3 (MANE Select); coding-DNA position 966, A replaced by G.
Protein change: p.Pro322=; no amino-acid change (proline 322 retained).
Molecular consequence: synonymous variant. On other transcripts: non-coding transcript variant (1).
Genome position (GRCh38, 1-based): chr10:63,215,312, T>C on the plus strand (A>G on the coding strand, the complement: JMJD1C is on the minus strand). VCF-style: chr10-63215312-T-C. GRCh37 (hg19) VCF-style: chr10-64975072-T-C.
Other names: c.420A>G, p.Pro140= (NM_001282948.2, NM_001318154.2); c.102A>G, p.Pro34= (NM_001318153.2); c.852A>G, p.Pro284= (NM_001322252.2); c.309A>G, p.Pro103= (NM_001322254.2, NM_001322258.2).
Identifiers: ClinVar variation 460284 (VCV000460284.17), dbSNP rs200728992, ClinGen allele CA5518907.

ClinVar aggregate classification (germline): Likely benign. Review status: criteria provided, multiple submitters, no conflicts (2 of 4 stars). 3 submissions from 3 submitters: Likely benign (3). Last evaluated 2026-01-01.

Conditions:
Early Myoclonic Encephalopathy. Identifiers: MedGen C0270855.

Allele frequency attached by ClinVar (database versions not stated): gnomAD exomes 0.00005 and 0.00014; ExAC 0.00013; gnomAD 0.00038; 1000 Genomes Project 0.00040; ESP Exome Variant Server 0.00059; TOPMed 0.00063; 1000 Genomes Project 30x 0.00078.
gnomAD v4.1: 160 of 1,614,132 alleles (0.0099%); highest among the groups gnomAD compares: African/African-American, 0.19%; no homozygotes.

Submissions (3):

CeGaT Center for Human Genetics Tuebingen
Classification: Likely benign. Last evaluated: 2026-01-01. Review status: criteria provided, single submitter. Criteria: CeGaT Center For Human Genetics Tuebingen Variant Classification Criteria Version 2. Collection method: clinical testing. Allele origin: germline. Affected: yes. Observed: 1 variant allele.
Comment: JMJD1C: BP4, BP7

Labcorp Genetics (formerly Invitae), Labcorp
Classification: Likely benign for Early Myoclonic Encephalopathy. Last evaluated: 2025-03-20. Review status: criteria provided, single submitter. Criteria: Invitae Variant Classification Sherloc (09022015). Collection method: clinical testing. Allele origin: germline.

Breakthrough Genomics
Classification: Likely benign. Review status: criteria provided, single submitter. Criteria: ACMG Guidelines, 2015. Collection method: not provided. Allele origin: germline. Inheritance: Unknown mechanism. Affected: yes.